The following is an entry in ClinVar:

NM_001365088.1(SLC12A6):c.1705C>G (p.Pro569Ala)

Gene: SLC12A6 (solute carrier family 12 member 6; minus strand). Cytogenetic location: 15q14.
Variant type: single nucleotide variant.
Coding change: c.1705C>G on transcript NM_001365088.1 (MANE Select); coding-DNA position 1705, C replaced by G.
Protein change: p.Pro569Ala; replaces proline 569 with alanine.
Molecular consequence: missense variant.
Genome position (GRCh38, 1-based): chr15:34,245,812, G>C on the plus strand (C>G on the coding strand, the complement: SLC12A6 is on the minus strand). VCF-style: chr15-34245812-G-C. GRCh37 (hg19) VCF-style: chr15-34538013-G-C.
Other names: c.1528C>G, p.Pro510Ala (NM_001042494.2, NM_001042495.2); c.1678C>G, p.Pro560Ala (NM_001042496.2); c.1660C>G, p.Pro554Ala (NM_001042497.2); c.1552C>G, p.Pro518Ala (NM_005135.2); c.1705C>G, p.Pro569Ala (NM_133647.2); short protein forms P510A, P518A, P554A, P560A, P569A.
Identifiers: ClinVar variation 3365832 (VCV003365832.1).

ClinVar aggregate classification (germline): Uncertain significance (1 of 4 stars; one submission).

Submission:

GeneDx
Classification: Uncertain significance. Last evaluated: 2023-12-20. Review status: criteria provided, single submitter. Criteria: GeneDx Variant Classification Process June 2021. Collection method: clinical testing. Allele origin: germline. Affected: yes.
Comment: Not observed at significant frequency in large population cohorts (gnomAD); In silico analysis supports that this missense variant has a deleterious effect on protein structure/function; Has not been previously published as pathogenic or benign to our knowledge